The following is an entry in ClinVar:

NM_001184.4(ATR):c.2126C>A (p.Ser709Tyr)

Gene: ATR (ATR checkpoint kinase; minus strand). Cytogenetic location: 3q23.
Variant type: single nucleotide variant.
Coding change: c.2126C>A on transcript NM_001184.4 (MANE Select); coding-DNA position 2126, C replaced by A.
Protein change: p.Ser709Tyr; replaces serine 709 with tyrosine.
Molecular consequence: missense variant.
Genome position (GRCh38, 1-based): chr3:142,556,092, G>T on the plus strand (C>A on the coding strand, the complement: ATR is on the minus strand). VCF-style: chr3-142556092-G-T. GRCh37 (hg19) VCF-style: chr3-142274934-G-T.
Other names: c.1934C>A, p.Ser645Tyr (NM_001354579.2); short protein forms S645Y, S709Y.
Identifiers: ClinVar variation 1786323 (VCV001786323.2), dbSNP rs2108471620, ClinGen allele CA354818936.

ClinVar aggregate classification (germline): Uncertain significance (1 of 4 stars; one submission).

Conditions:
Inborn genetic diseases. Identifiers: MedGen C0950123, MeSH D030342.

Submission:

Ambry Genetics
Classification: Uncertain significance for Inborn genetic diseases. Last evaluated: 2021-12-10. Review status: criteria provided, single submitter. Criteria: Ambry Variant Classification Scheme 2023. Collection method: clinical testing. Allele origin: germline.
Comment: The p.S709Y variant (also known as c.2126C>A), located in coding exon 10 of the ATR gene, results from a C to A substitution at nucleotide position 2126. The serine at codon 709 is replaced by tyrosine, an amino acid with dissimilar properties. This amino acid position is conserved. In addition, this alteration is predicted to be tolerated by in silico analysis. Since supporting evidence is limited at this time, the clinical significance of this alteration remains unclear.